The following is an entry in ClinVar:

ClinVar aggregate classification (germline): Uncertain significance (1 of 4 stars; one submission).

Allele frequency attached by ClinVar (database versions not stated): gnomAD exomes below 0.00001; ExAC 0.00001; TOPMed 0.00001.
gnomAD v4.1: 2 of 1,612,086 alleles (0.00012%); highest among the groups gnomAD compares: East Asian, 0.0022%; no homozygotes.

Submission:

Labcorp Genetics (formerly Invitae), Labcorp
Classification: Uncertain significance. Last evaluated: 2022-07-23. Review status: criteria provided, single submitter. Criteria: Invitae Variant Classification Sherloc (09022015). Collection method: clinical testing. Allele origin: germline.
Comment: In summary, the available evidence is currently insufficient to determine the role of this variant in disease. Therefore, it has been classified as a Variant of Uncertain Significance. This sequence change replaces proline, which is neutral and non-polar, with serine, which is neutral and polar, at codon 2502 of the SRCAP protein (p.Pro2502Ser). This variant is present in population databases (rs759964374, gnomAD 0.006%). This variant has not been reported in the literature in individuals affected with SRCAP-related conditions. Algorithms developed to predict the effect of missense changes on protein structure and function are either unavailable or do not agree on the potential impact of this missense change (SIFT: "Deleterious"; PolyPhen-2: "Not Available"; Align-GVGD: "Class C0").

NM_006662.3(SRCAP):c.7504C>T (p.Pro2502Ser)

Gene: SRCAP (Snf2 related CREBBP activator protein; plus strand). Cytogenetic location: 16p11.2.
Variant type: single nucleotide variant.
Coding change: c.7504C>T on transcript NM_006662.3 (MANE Select); coding-DNA position 7504, C replaced by T.
Protein change: p.Pro2502Ser; replaces proline 2502 with serine.
Molecular consequence: missense variant.
Genome position (GRCh38, 1-based): chr16:30,737,544, C>T. VCF-style: chr16-30737544-C-T. GRCh37 (hg19) VCF-style: chr16-30748865-C-T.
Other names: short protein forms P2502S.
Identifiers: ClinVar variation 2108760 (VCV002108760.4), dbSNP rs759964374, ClinGen allele CA8012498.